The following is an entry in ClinVar:

ClinVar aggregate classification (germline): Benign (0 of 4 stars; one submission).

Conditions:
NRP1-related disorder. Also called: NRP1-related condition.

Allele frequency attached by ClinVar (database versions not stated): ESP Exome Variant Server 0.07904; TOPMed 0.09566; gnomAD exomes 0.10383; 1000 Genomes Project 0.10942; 1000 Genomes Project 30x 0.11056; ExAC 0.11567.
gnomAD v4.1: 166,190 of 1,613,934 alleles (10%); highest among the groups gnomAD compares: Admixed American, 23%; 9,805 homozygotes.

Submission:

PreventionGenetics, part of Exact Sciences
Classification: Benign for NRP1-related condition. Last evaluated: 2022-08-01. Review status: no assertion criteria provided. Collection method: clinical testing. Allele origin: germline.
Comment: This variant is classified as benign based on ACMG/AMP sequence variant interpretation guidelines (Richards et al. 2015 PMID: 25741868, with internal and published modifications).

NM_003873.7(NRP1):c.2197G>A (p.Val733Ile)

Gene: NRP1 (neuropilin 1; minus strand). Cytogenetic location: 10p11.22.
Variant type: single nucleotide variant.
Coding change: c.2197G>A on transcript NM_003873.7 (MANE Select); coding-DNA position 2197, G replaced by A.
Protein change: p.Val733Ile; replaces valine 733 with isoleucine.
Molecular consequence: missense variant. On other transcripts: non-coding transcript variant (1).
Genome position (GRCh38, 1-based): chr10:33,186,354, C>T on the plus strand (G>A on the coding strand, the complement: NRP1 is on the minus strand). VCF-style: chr10-33186354-C-T. GRCh37 (hg19) VCF-style: chr10-33475282-C-T.
Other names: c.2179G>A, p.Val727Ile (NM_001244972.2); c.2176G>A, p.Val726Ile (NM_001244973.2); c.2197G>A, p.Val733Ile (NM_001330068.2); short protein forms V726I, V727I, V733I.
Identifiers: ClinVar variation 3055728 (VCV003055728.2), dbSNP rs2228638, ClinGen allele CA5466239.